The following is an entry in ClinVar:

ClinVar aggregate classification (germline): Pathogenic. Review status: criteria provided, multiple submitters, no conflicts (2 of 4 stars). 2 submissions from 2 submitters: Pathogenic (2). Last evaluated 2022-10-06.

Conditions:
Hereditary cancer-predisposing syndrome. Also called: Neoplastic Syndromes, Hereditary; Hereditary neoplastic syndrome; Hereditary Cancer Syndrome; Tumor predisposition. Identifiers: Orphanet 140162, MedGen C0027672, MeSH D009386, MONDO:0015356.

Submissions (2):

Color Diagnostics, LLC DBA Color Health
Classification: Pathogenic for Hereditary cancer-predisposing syndrome. Last evaluated: 2022-10-06. Review status: criteria provided, single submitter. Criteria: ACMG Guidelines, 2015. Collection method: clinical testing. Allele origin: germline.
Comment: This variant inserts 1 nucleotide in exon 11 of the BRCA2 gene, creating a frameshift and premature translation stop signal. This variant is expected to result in an absent or non-functional protein product. To our knowledge, this variant has not been reported in individuals affected with hereditary cancer in the literature. This variant has not been identified in the general population by the Genome Aggregation Database (gnomAD). Loss of BRCA2 function is a known mechanism of disease. Based on the available evidence, this variant is classified as Pathogenic.

ARUP Laboratories, Molecular Genetics and Genomics, ARUP Laboratories
Classification: Pathogenic. Last evaluated: 2022-09-12. Review status: criteria provided, single submitter. Criteria: ARUP Molecular Germline Variant Investigation Process 2021. Collection method: clinical testing. Allele origin: germline.
Comment: The BRCA2 c.6373_6374insT; p.Thr2125IlefsTer4 variant, to our knowledge, is not reported in the medical literature or gene specific databases. This variant is also absent from the Genome Aggregation Database, indicating it is not a common polymorphism. This variant causes a frameshift by inserting a single nucleotide, so it is predicted to result in a truncated protein or mRNA subject to nonsense-mediated decay. Additionally, several similar and downstream truncating variants have been described in individuals with breast and/or ovarian cancer and are considered pathogenic (Li 2019, Risch 2001, Sun 2017). Based on available information, this variant is considered to be pathogenic. References: Li JY et al. Germline mutations in 40 cancer susceptibility genes among Chinese patients with high hereditary risk breast cancer. Int J Cancer. 2019 Jan 15;144(2):281-289. PMID: 29752822. Risch HA et al. Prevalence and penetrance of germline BRCA1 and BRCA2 mutations in a population series of 649 women with ovarian cancer. Am J Hum Genet. 2001 Mar;68(3):700-10. PMID: 11179017. Sun J et al. Germline Mutations in Cancer Susceptibility Genes in a Large Series of Unselected Breast Cancer Patients. Clin Cancer Res. 2017 Oct 15;23(20):6113-6119. PMID: 28724667.

NM_000059.4(BRCA2):c.6373_6374insT (p.Thr2125fs)

Gene: BRCA2 (BRCA2 DNA repair associated; plus strand). Cytogenetic location: 13q13.1.
Variant type: Insertion.
Coding change: c.6373_6374insT on transcript NM_000059.4 (MANE Select); coding-DNA positions 6373 to 6374, T inserted.
Protein change: p.Thr2125fs; shifts the reading frame from threonine 2125.
Molecular consequence: frameshift variant.
Genome position: GRCh38 VCF-style: chr13-32340728-A-AT. GRCh37 (hg19) VCF-style: chr13-32914865-A-AT.
Other names: c.6373_6374insT, p.Thr2125Ilefs (NM_001406719.1, NM_001406720.1); short protein forms T2125fs.
Identifiers: ClinVar variation 2428607 (VCV002428607.5), dbSNP rs2548533122, ClinGen allele CA2580087898.
Genomic context (GRCh38, chr13:32,340,728, plus strand): 5'-ATACTTCCTCGTGTTGATAAGAGAAACCCAGAGCACTGTGTAAACTCAGAAATGGAAAAA[A>AT]CCTGCAGTAAAGAATTTAAATTATCAAATAACTTAAATGTTGAAGGTGGTTCTTCAGAAA-3'